The following is an entry in ClinVar:

NM_004612.4(TGFBR1):c.1488T>G (p.Ser496Arg)

Gene: TGFBR1 (transforming growth factor beta receptor 1; plus strand). Cytogenetic location: 9q22.33.
Variant type: single nucleotide variant.
Coding change: c.1488T>G on transcript NM_004612.4 (MANE Select); coding-DNA position 1488, T replaced by G.
Protein change: p.Ser496Arg; replaces serine 496 with arginine.
Molecular consequence: missense variant.
Genome position (GRCh38, 1-based): chr9:99,149,281, T>G. VCF-style: chr9-99149281-T-G. GRCh37 (hg19) VCF-style: chr9-101911563-T-G.
Other names: c.1257T>G, p.Ser419Arg (NM_001130916.3, NM_001407435.1); c.1500T>G, p.Ser500Arg (NM_001306210.2); c.1332T>G, p.Ser444Arg (NM_001407416.1); c.1320T>G, p.Ser440Arg (NM_001407417.1); c.1293T>G, p.Ser431Arg (NM_001407418.1, NM_001407419.1, NM_001407420.1 and 1 more transcripts); c.1281T>G, p.Ser427Arg (NM_001407423.1, NM_001407424.1, NM_001407425.1 and 8 more transcripts); c.1242T>G, p.Ser414Arg (NM_001407436.1); c.780T>G, p.Ser260Arg (NM_001407437.1); and 1 more; short protein forms S414R, S431R, S440R, S427R, S260R, S337R, S419R, S444R.
Identifiers: ClinVar variation 2258385 (VCV002258385.3), dbSNP rs1394341348, ClinGen allele CA374233822.

ClinVar aggregate classification (germline): Uncertain significance (1 of 4 stars; one submission).

Conditions:
Familial thoracic aortic aneurysm and aortic dissection (TAAD). Also called: Thoracic aortic aneurysms and dissections. Identifiers: Orphanet 91387, MedGen C4707243, MONDO:0019625.

Allele frequency attached by ClinVar (database versions not stated): gnomAD exomes below 0.00001; TOPMed below 0.00001.
gnomAD v4.1: 6 of 1,613,838 alleles (0.00037%); highest among the groups gnomAD compares: Non-Finnish European, 0.00051%; no homozygotes.

Submission:

Ambry Genetics
Classification: Uncertain significance for Familial thoracic aortic aneurysm and aortic dissection. Last evaluated: 2024-03-22. Review status: criteria provided, single submitter. Criteria: Ambry Variant Classification Scheme 2023. Collection method: clinical testing. Allele origin: germline.
Comment: The p.S496R variant (also known as c.1488T>G), located in coding exon 9 of the TGFBR1 gene, results from a T to G substitution at nucleotide position 1488. The serine at codon 496 is replaced by arginine, an amino acid with dissimilar properties. This amino acid position is conserved. In addition, this alteration is predicted to be deleterious by in silico analysis. Based on the available evidence, the clinical significance of this alteration remains unclear.